The following is an entry in ClinVar:

NM_000179.3(MSH6):c.3790C>G (p.Leu1264Val)

Gene: MSH6 (mutS homolog 6; plus strand). Cytogenetic location: 2p16.3.
Variant type: single nucleotide variant.
Coding change: c.3790C>G on transcript NM_000179.3 (MANE Select); coding-DNA position 3790, C replaced by G.
Protein change: p.Leu1264Val; replaces leucine 1264 with valine.
Molecular consequence: missense variant. On other transcripts: non-coding transcript variant (5).
Genome position (GRCh38, 1-based): chr2:47,806,347, C>G. VCF-style: chr2-47806347-C-G. GRCh37 (hg19) VCF-style: chr2-48033486-C-G.
Other names: c.3400C>G, p.Leu1134Val (NM_001281492.2); c.2884C>G, p.Leu962Val (NM_001281493.2, NM_001281494.2, NM_001406811.1 and 6 more transcripts); c.3886C>G, p.Leu1296Val (NM_001406795.1, NM_001406802.1); c.3790C>G, p.Leu1264Val (NM_001406796.1, NM_001406800.1, NM_001406808.1 and 1 more transcripts); c.3493C>G, p.Leu1165Val (NM_001406797.1, NM_001406801.1, NM_001406805.1 and 10 more transcripts); c.3616C>G, p.Leu1206Val (NM_001406798.1); c.3265C>G, p.Leu1089Val (NM_001406799.1, NM_001406806.1, NM_001406807.1); c.2926C>G, p.Leu976Val (NM_001406803.1); and 7 more; short protein forms L1165V, L1208V, L1264V, L962V, L1266V, L213V, L579V, L976V.
Identifiers: ClinVar variation 2587348 (VCV002587348.5), dbSNP rs786202696, ClinGen allele CA346761178.
Genomic context (GRCh38, chr2:47,806,347, plus strand): 5'-TTATTTTCAACTCACTACCATTCATTAGTAGAAGATTATTCTCAAAATGTTGCTGTGCGC[C>G]TAGGACATATGGTATGTGCAAATTGTTTTTTTCCACAAATTCGGTTTTTTGAGAGGGCAC-3'
Protein context (NP_000170.1, residues 1254-1274): EDYSQNVAVR[Leu1264Val]GHMACMVENE

ClinVar aggregate classification (germline): Uncertain significance. Review status: criteria provided, multiple submitters, no conflicts (2 of 4 stars). 2 submissions from 2 submitters: Uncertain significance (2). Last evaluated 2026-01-31.

Conditions:
Hereditary nonpolyposis colorectal neoplasms. Identifiers: MedGen C0009405, MeSH D003123.
Hereditary cancer-predisposing syndrome. Also called: Tumor predisposition; Hereditary Cancer Syndrome; Hereditary neoplastic syndrome; Neoplastic Syndromes, Hereditary. Identifiers: Orphanet 140162, MedGen C0027672, MeSH D009386, MONDO:0015356.

gnomAD v4.1: 3 of 1,614,092 alleles (0.00019%); highest among the groups gnomAD compares: Admixed American, 0.005%; no homozygotes.

Submissions (2):

Labcorp Genetics (formerly Invitae), Labcorp
Classification: Uncertain significance for Hereditary nonpolyposis colorectal neoplasms. Last evaluated: 2026-01-31. Review status: criteria provided, single submitter. Criteria: Invitae Variant Classification Sherloc (09022015). Collection method: clinical testing. Allele origin: germline.
Comment: This sequence change replaces leucine, which is neutral and non-polar, with valine, which is neutral and non-polar, at codon 1264 of the MSH6 protein (p.Leu1264Val). This variant is present in population databases (no rsID available, gnomAD 0.006%). This variant has not been reported in the literature in individuals affected with MSH6-related conditions. ClinVar contains an entry for this variant (Variation ID: 2587348). Invitae Evidence Modeling incorporating data from in vitro experimental studies (internal data) did not meet the statistical confidence thresholds required to predict the impact of this variant on MSH6 function. In summary, the available evidence is currently insufficient to determine the role of this variant in disease. Therefore, it has been classified as a Variant of Uncertain Significance.

Ambry Genetics
Classification: Uncertain significance for Hereditary cancer-predisposing syndrome. Last evaluated: 2023-08-22. Review status: criteria provided, single submitter. Criteria: Ambry Variant Classification Scheme 2023. Collection method: clinical testing. Allele origin: germline.
Comment: The p.L1264V variant (also known as c.3790C>G), located in coding exon 8 of the MSH6 gene, results from a C to G substitution at nucleotide position 3790. The leucine at codon 1264 is replaced by valine, an amino acid with highly similar properties. This amino acid position is highly conserved in available vertebrate species. In addition, this alteration is predicted to be deleterious by in silico analysis. Since supporting evidence is limited at this time, the clinical significance of this alteration remains unclear.